The following is an entry in ClinVar:

NM_001829.4(CLCN3):c.2326_2328delinsTGG (p.Arg776Trp)

Gene: CLCN3 (chloride voltage-gated channel 3; plus strand). Cytogenetic location: 4q33.
Variant type: Indel.
Coding change: c.2326_2328delinsTGG on transcript NM_001829.4 (MANE Select); coding-DNA positions 2326 to 2328, CGA replaced by TGG.
Protein change: p.Arg776Trp; replaces arginine 776 with tryptophan.
Molecular consequence: missense variant.
Genome position (GRCh38, 1-based): chr4:169,713,255-169,713,257, CGA replaced by TGG. VCF-style: chr4-169713255-CGA-TGG. GRCh37 (hg19) VCF-style: chr4-170634406-CGA-TGG.
Other names: c.2245_2247delinsTGG, p.Arg749Trp (NM_001243372.2, NM_001243374.2); c.2326_2328delinsTGG, p.Arg776Trp (NM_173872.4); short protein forms R749W, R776W.
Identifiers: ClinVar variation 4681129 (VCV004681129.1).

ClinVar aggregate classification (germline): Uncertain significance (1 of 4 stars; one submission).

Submission:

GeneDx
Classification: Uncertain significance. Last evaluated: 2025-07-01. Review status: criteria provided, single submitter. Criteria: GeneDx Variant Classification Process June 2021. Collection method: clinical testing. Allele origin: germline. Affected: yes.
Comment: Not observed at significant frequency in large population cohorts (gnomAD); In silico analysis supports a deleterious effect on protein structure/function; Has not been previously published as pathogenic or benign to our knowledge